The following is an entry in ClinVar:

ClinVar aggregate classification (germline): Uncertain significance (1 of 4 stars; one submission).

Conditions:
Congenital myasthenic syndrome 8. Also called: Myasthenic syndrome, congenital, 8, with pre- and postsynaptic defects; MYASTHENIC SYNDROME, CONGENITAL, DUE TO AGRIN DEFICIENCY. Identifiers: Orphanet 590, MedGen C3808739, MONDO:0014052, OMIM 615120.

gnomAD v4.1: 1 of 1,610,822 alleles (0.000062%); highest among the groups gnomAD compares: Admixed American, 0.0017%; no homozygotes.

Submission:

Labcorp Genetics (formerly Invitae), Labcorp
Classification: Uncertain significance for Congenital myasthenic syndrome 8. Last evaluated: 2021-06-16. Review status: criteria provided, single submitter. Criteria: Invitae Variant Classification Sherloc (09022015). Collection method: clinical testing. Allele origin: germline.
Comment: In summary, the available evidence is currently insufficient to determine the role of this variant in disease. Therefore, it has been classified as a Variant of Uncertain Significance. Algorithms developed to predict the effect of missense changes on protein structure and function output the following: SIFT: "Tolerated"; PolyPhen-2: "Possibly Damaging"; Align-GVGD: "Class C0". The glutamic acid amino acid residue is found in multiple mammalian species, suggesting that this missense change does not adversely affect protein function. These predictions have not been confirmed by published functional studies and their clinical significance is uncertain. This variant has not been reported in the literature in individuals with AGRN-related conditions. This variant is present in population databases (rs139302553, ExAC 0.01%). This sequence change replaces alanine with glutamic acid at codon 487 of the AGRN protein (p.Ala487Glu). The alanine residue is weakly conserved and there is a moderate physicochemical difference between alanine and glutamic acid.

NM_198576.4(AGRN):c.1460C>A (p.Ala487Glu)

Gene: AGRN (agrin; plus strand). Cytogenetic location: 1p36.33.
Variant type: single nucleotide variant.
Coding change: c.1460C>A on transcript NM_198576.4 (MANE Select); coding-DNA position 1460, C replaced by A.
Protein change: p.Ala487Glu; replaces alanine 487 with glutamic acid.
Molecular consequence: missense variant.
Genome position (GRCh38, 1-based): chr1:1,043,314, C>A. VCF-style: chr1-1043314-C-A. GRCh37 (hg19) VCF-style: chr1-978694-C-A.
Other names: c.1460C>A, p.Ala487Glu (NM_001305275.2); c.1145C>A, p.Ala382Glu (NM_001364727.2); short protein forms A382E, A487E.
Identifiers: ClinVar variation 1364612 (VCV001364612.6), dbSNP rs139302553, ClinGen allele CA508190.